The following is an entry in ClinVar:

ClinVar aggregate classification (germline): Uncertain significance (1 of 4 stars; one submission).

Conditions:
Familial hemophagocytic lymphohistiocytosis 3 (FHL3). Also called: UNC13D-Related Familial Hemophagocytic Lymphohistiocytosis (UNC13D-fHLH). Identifiers: Orphanet 540, MedGen C1837174, MONDO:0012146, OMIM 608898.

Allele frequency attached by ClinVar (database versions not stated): gnomAD 0.00001 and 0.00002; TOPMed 0.00001; gnomAD exomes 0.00003 and 0.00007; 1000 Genomes Project 30x 0.00016; 1000 Genomes Project 0.00020.

Submission:

Labcorp Genetics (formerly Invitae), Labcorp
Classification: Uncertain significance for Familial hemophagocytic lymphohistiocytosis 3. Last evaluated: 2022-04-29. Review status: criteria provided, single submitter. Criteria: Invitae Variant Classification Sherloc (09022015). Collection method: clinical testing. Allele origin: germline.
Comment: This sequence change replaces arginine, which is basic and polar, with tryptophan, which is neutral and slightly polar, at codon 727 of the UNC13D protein (p.Arg727Trp). This variant is present in population databases (rs564709979, gnomAD 0.01%). This variant has not been reported in the literature in individuals affected with UNC13D-related conditions. ClinVar contains an entry for this variant (Variation ID: 857763). Algorithms developed to predict the effect of missense changes on protein structure and function output the following: SIFT: "Not Available"; PolyPhen-2: "Benign"; Align-GVGD: "Not Available". The tryptophan amino acid residue is found in multiple mammalian species, which suggests that this missense change does not adversely affect protein function. Algorithms developed to predict the effect of sequence changes on RNA splicing suggest that this variant may create or strengthen a splice site. In summary, the available evidence is currently insufficient to determine the role of this variant in disease. Therefore, it has been classified as a Variant of Uncertain Significance.

NM_199242.3(UNC13D):c.2179C>T (p.Arg727Trp)

Gene: UNC13D (unc-13 homolog D; minus strand). Cytogenetic location: 17q25.1.
Variant type: single nucleotide variant.
Coding change: c.2179C>T on transcript NM_199242.3 (MANE Select); coding-DNA position 2179, C replaced by T.
Protein change: p.Arg727Trp; replaces arginine 727 with tryptophan.
Molecular consequence: missense variant.
Genome position (GRCh38, 1-based): chr17:75,834,444, G>A on the plus strand (C>T on the coding strand, the complement: UNC13D is on the minus strand). VCF-style: chr17-75834444-G-A. GRCh37 (hg19) VCF-style: chr17-73830525-G-A.
Other names: short protein forms R727W.
Identifiers: ClinVar variation 857763 (VCV000857763.7), dbSNP rs564709979, ClinGen allele CA294086370.
Genomic context (GRCh38, chr17:75,834,444, plus strand): 5'-TCTGCAGCTGGGCATGCAGCGTGTTCTGCAGCTGCCCCTGCTCCAGCACGGCCCCTACCC[G>A]CTGCTCCAGGGCCTCCCATGCCAGCTGGGCGGGCAACTTGCCGATCACCAGCCGCAGCTG-3'
Protein context (NP_954712.1, residues 717-737): AQLAWEALEQ[Arg727Trp]VGAVLEQGQL